The following is an entry in ClinVar:

NM_001040108.2(MLH3):c.3693A>C (p.Ile1231=)

Gene: MLH3 (mutL homolog 3; minus strand). Cytogenetic location: 14q24.3.
Variant type: single nucleotide variant.
Coding change: c.3693A>C on transcript NM_001040108.2 (MANE Select); coding-DNA position 3693, A replaced by C.
Protein change: p.Ile1231=; no amino-acid change (isoleucine 1231 retained).
Molecular consequence: synonymous variant. On other transcripts: intron variant (1).
Genome position (GRCh38, 1-based): chr14:75,033,441, T>G on the plus strand (A>C on the coding strand, the complement: MLH3 is on the minus strand). VCF-style: chr14-75033441-T-G. GRCh37 (hg19) VCF-style: chr14-75500144-T-G.
Other names: c.3644-1262A>C (NM_014381.3).
Identifiers: ClinVar variation 5042271 (VCV005042271.1).

ClinVar aggregate classification (germline): Benign (1 of 4 stars; one submission).

Conditions:
Colorectal cancer, hereditary nonpolyposis, type 7. Identifiers: Orphanet 144, MedGen C1858380, MONDO:0013725, OMIM 614385.

Submission:

Myriad Genetics, Inc.
Classification: Benign for Colorectal cancer, hereditary nonpolyposis, type 7. Last evaluated: 2026-09-16. Review status: criteria provided, single submitter. Criteria: Myriad Autosomal Dominant, Autosomal Recessive and X-Linked Classification Criteria (2023). Collection method: clinical testing. Allele origin: unknown.
Comment: This variant is considered benign. This variant is a silent/synonymous amino acid change and it is not expected to impact splicing.